The following is an entry in ClinVar:

ClinVar aggregate classification (germline): Likely pathogenic (1 of 4 stars; one submission).

Conditions:
Cerebrooculofacioskeletal syndrome 1 (COFS1). Also called: Cerebro-oculo-facio-skeletal syndrome 1. Identifiers: MedGen C0220722, MONDO:0008955, OMIM 214150.

Allele frequency attached by ClinVar (database versions not stated): gnomAD exomes below 0.00001; ExAC 0.00001.
gnomAD v4.1: 1 of 1,613,838 alleles (0.000062%); highest among the groups gnomAD compares: East Asian, 0.0022%; no homozygotes.

Submission:

3billion
Classification: Likely pathogenic for Cerebrooculofacioskeletal syndrome 1. Last evaluated: 2021-10-02. Review status: criteria provided, single submitter. Criteria: ACMG Guidelines, 2015. Collection method: clinical testing. Allele origin: maternal. Affected: yes. Observed: 1 heterozygote.
Comment: It is observed at an extremely low frequency in the gnomAD v2.1.1 dataset (total allele frequency: 0.000004, PM2). The variant was observed in trans with a pathogenic variant (NM_000124.3: c.1834C>T) as compound heterozygous (3billion dataset, PM3). In silico tool predictions suggest damaging effect of the variant on gene or gene product (REVEL: 0.698, 3Cnet: 0.832, PP3). Patient's phenotype is considered compatible with Cerebrooculofacioskeletal syndrome 1 (3billion dataset, PP4). Therefore, this variant is classified as likely pathogenic according to the recommendation of ACMG/AMP guideline.

NM_000124.4(ERCC6):c.1684A>T (p.Arg562Trp)

Gene: ERCC6 (ERCC excision repair 6, chromatin remodeling factor; minus strand). Cytogenetic location: 10q11.23.
Variant type: single nucleotide variant.
Coding change: c.1684A>T on transcript NM_000124.4 (MANE Select); coding-DNA position 1684, A replaced by T.
Protein change: p.Arg562Trp; replaces arginine 562 with tryptophan.
Molecular consequence: missense variant.
Genome position (GRCh38, 1-based): chr10:49,500,539, T>A on the plus strand (A>T on the coding strand, the complement: ERCC6 is on the minus strand). VCF-style: chr10-49500539-T-A. GRCh37 (hg19) VCF-style: chr10-50708585-T-A.
Other names: c.1684A>T, p.Arg562Trp (NM_001346440.2); short protein forms R562W.
Identifiers: ClinVar variation 1320117 (VCV001320117.1), dbSNP rs777252763, ClinGen allele CA5495908.